The following is an entry in ClinVar:

ClinVar aggregate classification (germline): Pathogenic (3 of 4 stars; one submission).

Conditions:
Breast-ovarian cancer, familial, susceptibility to, 1 (BROVCA1). Also called: BRCA1 Hereditary Breast and Ovarian Cancer; OVARIAN CANCER, SUSCEPTIBILITY TO. Identifiers: Orphanet 145, MedGen C2676676, MONDO:0011450, OMIM 604370. Disease mechanism: loss of function.

Submission:

Evidence-based Network for the Interpretation of Germline Mutant Alleles (ENIGMA)
Classification: Pathogenic for Breast-ovarian cancer, familial, susceptibility to, 1. Last evaluated: 2017-12-15. Review status: reviewed by expert panel. Criteria: ENIGMA BRCA1/2 Classification Criteria (2017-06-29). Collection method: curation. Allele origin: germline. Study: ENIGMA.
Comment: Variant allele predicted to encode a truncated non-functional protein.

NM_007294.4(BRCA1):c.2216_2217insCT (p.Lys739fs)

Gene: BRCA1 (BRCA1 DNA repair associated; minus strand). Cytogenetic location: 17q21.31.
Variant type: Insertion.
Coding change: c.2216_2217insCT on transcript NM_007294.4 (MANE Select); coding-DNA positions 2216 to 2217, CT inserted.
Protein change: p.Lys739fs; shifts the reading frame from lysine 739.
Molecular consequence: frameshift variant. On other transcripts: intron variant (137).
Genome position: GRCh38 VCF-style: chr17-43093314-T-TAG. GRCh37 (hg19) VCF-style: chr17-41245331-T-TAG.
Other names: c.2003_2004insCT, p.Lys668fs (NM_001407571.1, NM_001407853.1, NM_001407894.1 and 9 more transcripts); c.2216_2217insCT, p.Lys739fs (NM_001407581.1, NM_001407582.1, NM_001407583.1 and 30 more transcripts); c.2213_2214insCT, p.Lys738fs (NM_001407587.1, NM_001407590.1, NM_001407591.1 and 22 more transcripts); c.2207_2208insCT, p.Lys736fs (NM_001407646.1, NM_001407647.1); c.2093_2094insCT, p.Lys698fs (NM_001407648.1, NM_001407664.1, NM_001407665.1 and 19 more transcripts); c.2090_2091insCT, p.Lys697fs (NM_001407649.1, NM_001407670.1, NM_001407671.1 and 11 more transcripts); c.2138_2139insCT, p.Lys713fs (NM_001407653.1, NM_001407654.1, NM_001407655.1 and 4 more transcripts); c.2135_2136insCT, p.Lys712fs (NM_001407659.1, NM_001407660.1, NM_001407661.1 and 1 more transcripts); and 41 more; short protein forms K692fs, K739fs, K611fs, K627fs, K671fs, K628fs, K650fs, K669fs.
Identifiers: ClinVar variation 548161 (VCV000548161.2), dbSNP rs1555590163, ClinGen allele CA658824014.
Genomic context (GRCh38, chr17:43,093,314, plus strand): 5'-TTGCAAAACCCTTTCTCCACTTAACATGAGATCTTTGGGGTCTTCAGCATTATTAGACAC[T>TAG]TTAACTGTTTCTAGTTTCTCTTCTTTTTCTTCTCTTGGAAGGCTAGGATTGACAAATTCT-3'